The following is an entry in ClinVar:

ClinVar aggregate classification (germline): Likely benign (0 of 4 stars; one submission).

Conditions:
ACACB-related disorder. Also called: ACACB-related condition.

Allele frequency attached by ClinVar (database versions not stated): 1000 Genomes Project 30x 0.00016; 1000 Genomes Project 0.00020; ESP Exome Variant Server 0.00054; TOPMed 0.00060; gnomAD exomes 0.00083; gnomAD 0.00107; ExAC 0.00122.
gnomAD v4.1: 1,371 of 1,614,174 alleles (0.085%); highest among the groups gnomAD compares: Non-Finnish European, 0.086%; 7 homozygotes.

Submission:

PreventionGenetics, part of Exact Sciences
Classification: Likely benign for ACACB-related condition. Last evaluated: 2019-03-13. Review status: no assertion criteria provided. Collection method: clinical testing. Allele origin: germline.
Comment: This variant is classified as likely benign based on ACMG/AMP sequence variant interpretation guidelines (Richards et al. 2015 PMID: 25741868, with internal and published modifications).

NM_001093.4(ACACB):c.2199C>T (p.Thr733=)

Gene: ACACB (acetyl-CoA carboxylase beta; plus strand). Cytogenetic location: 12q24.11.
Variant type: single nucleotide variant.
Coding change: c.2199C>T on transcript NM_001093.4 (MANE Select); coding-DNA position 2199, C replaced by T.
Protein change: p.Thr733=; no amino-acid change (threonine 733 retained).
Molecular consequence: synonymous variant.
Genome position (GRCh38, 1-based): chr12:109,191,667, C>T. VCF-style: chr12-109191667-C-T. GRCh37 (hg19) VCF-style: chr12-109629472-C-T.
Other names: c.2199C>T, p.Thr733= (NM_001412734.1, NM_001412735.1); c.1593C>T, p.Thr531= (NM_001412736.1, NM_001412738.1, NM_001412739.1 and 2 more transcripts); c.1572C>T, p.Thr524= (NM_001412737.1).
Identifiers: ClinVar variation 3040362 (VCV003040362.2), dbSNP rs145205732, ClinGen allele CA6773540.